The following is an entry in ClinVar:

NM_001130987.2(DYSF):c.148-1G>A

Gene: DYSF (dysferlin; plus strand). Cytogenetic location: 2p13.2.
Variant type: single nucleotide variant.
Coding change: c.148-1G>A on transcript NM_001130987.2 (MANE Select); the canonical splice acceptor site of the intron before coding-DNA position 148, G replaced by A.
Molecular consequence: splice acceptor variant.
Genome position (GRCh38, 1-based): chr2:71,481,878, G>A. VCF-style: chr2-71481878-G-A. GRCh37 (hg19) VCF-style: chr2-71709008-G-A.
Other names: c.145-1G>A (NM_001130979.2, NM_001130981.2, NM_001130980.2 and 4 more transcripts); c.148-1G>A (NM_001130982.2, NM_001130985.2, NM_001130983.2 and 3 more transcripts).
Identifiers: ClinVar variation 856717 (VCV000856717.1), dbSNP rs2082940446, ClinGen allele CA347216207.
Genomic context (GRCh38, chr2:71,481,878, plus strand): 5'-AGACACAGTCTCTTCTCCTAGAGGGCCATAGGTTAAGATGCCTTTTCTCTTTTTCTTCCA[G>A]GGATTTGAATGGGACCTCAAGGGCATCCCCCTGGACCAGGGCTCTGAGCTTCATGTGGTG-3'

ClinVar aggregate classification (germline): Pathogenic (1 of 4 stars; one submission).

Conditions:
Neuromuscular disease caused by qualitative or quantitative defects of dysferlin. Also called: Qualitative or quantitative defects of dysferlin; Dysferlinopathy. Identifiers: Orphanet 207073, MedGen C2931687, MONDO:0016145.

Submission:

Labcorp Genetics (formerly Invitae), Labcorp
Classification: Pathogenic for Dysferlinopathy. Last evaluated: 2019-10-25. Review status: criteria provided, single submitter. Criteria: Invitae Variant Classification Sherloc (09022015). Collection method: clinical testing. Allele origin: germline.
Comment: This sequence change affects an acceptor splice site in intron 2 of the DYSF gene. It is expected to disrupt RNA splicing and likely results in an absent or disrupted protein product. This variant is not present in population databases (ExAC no frequency). This variant has been observed in individual(s) with distal myopathy (Invitae). In at least one individual the data is consistent with the variant being in trans (on the opposite chromosome) from a pathogenic variant. Donor and acceptor splice site variants typically lead to a loss of protein function (PMID: 16199547), and loss-of-function variants in DYSF are known to be pathogenic (PMID: 17698709, 20301480). For these reasons, this variant has been classified as Pathogenic.

Literature cited by the submitters: PubMed 17698709; PubMed 20301480.